The following is an entry in ClinVar:

NM_015570.4(AUTS2):c.2309-11_2309-10inv

Gene: AUTS2 (activator of transcription and developmental regulator AUTS2; plus strand). Cytogenetic location: 7q11.22.
Variant type: Inversion.
Coding change: c.2309-11_2309-10inv on transcript NM_015570.4 (MANE Select).
Molecular consequence: intron variant.
Genome position: GRCh38 VCF-style: chr7-70787198-CA-TG. GRCh37 (hg19) VCF-style: chr7-70252184-CA-TG.
Other names: c.2237-11_2237-10inv (NM_001127231.3).
Identifiers: ClinVar variation 4749676 (VCV004749676.1).

ClinVar aggregate classification (germline): Uncertain significance (1 of 4 stars; one submission).

Submission:

Labcorp Genetics (formerly Invitae), Labcorp
Classification: Uncertain significance. Last evaluated: 2025-04-10. Review status: criteria provided, single submitter. Criteria: Invitae Variant Classification Sherloc (09022015). Collection method: clinical testing. Allele origin: germline.
Comment: This sequence change falls in intron 17 of the AUTS2 gene. It does not directly change the encoded amino acid sequence of the AUTS2 protein. Information on the frequency of this variant in the gnomAD database is not available, as this variant may be reported differently in the database. This variant has not been reported in the literature in individuals affected with AUTS2-related conditions. Experimental studies and prediction algorithms are not available or were not evaluated, and the effect of this variant on mRNA splicing is currently unknown. In summary, the available evidence is currently insufficient to determine the role of this variant in disease. Therefore, it has been classified as a Variant of Uncertain Significance.